The following is an entry in ClinVar:

ClinVar aggregate classification (germline): Uncertain significance (1 of 4 stars; one submission).

Submission:

GeneDx
Classification: Uncertain significance. Last evaluated: 2026-10-12. Review status: criteria provided, single submitter. Criteria: GeneDx Variant Classification Process June 2021. Collection method: clinical testing. Allele origin: germline.
Comment: Not observed at significant frequency in large population cohorts (gnomAD); In silico analysis supports that this missense variant has a deleterious effect on protein structure/function; Has not been previously published as pathogenic or benign to our knowledge; This variant is associated with the following publications: (PMID: 25641508)

NM_001278116.2(L1CAM):c.2249A>C (p.Tyr750Ser)

Gene: L1CAM (L1 cell adhesion molecule; minus strand). Cytogenetic location: Xq28.
Variant type: single nucleotide variant.
Coding change: c.2249A>C on transcript NM_001278116.2 (MANE Select); coding-DNA position 2249, A replaced by C.
Protein change: p.Tyr750Ser; replaces tyrosine 750 with serine.
Molecular consequence: missense variant.
Genome position (GRCh38, 1-based): chrX:153,866,831, T>G on the plus strand (A>C on the coding strand, the complement: L1CAM is on the minus strand). VCF-style: chrX-153866831-T-G. GRCh37 (hg19) VCF-style: chrX-153132286-T-G.
Other names: c.2249A>C, p.Tyr750Ser (NM_000425.5, NM_024003.3); c.2234A>C, p.Tyr745Ser (NM_001143963.2); short protein forms Y750S, Y745S.
Identifiers: ClinVar variation 421020 (VCV000421020.3), dbSNP rs1064794855, ClinGen allele CA16621230.